The following is an entry in ClinVar:

NM_000052.7(ATP7A):c.4156C>T (p.Pro1386Ser)

Gene: ATP7A (ATPase copper transporting alpha; plus strand). Cytogenetic location: Xq21.1.
Variant type: single nucleotide variant.
Coding change: c.4156C>T on transcript NM_000052.7 (MANE Select); coding-DNA position 4156, C replaced by T.
Protein change: p.Pro1386Ser; replaces proline 1386 with serine.
Molecular consequence: missense variant. On other transcripts: non-coding transcript variant (1).
Genome position (GRCh38, 1-based): chrX:78,045,502, C>T. VCF-style: chrX-78045502-C-T. GRCh37 (hg19) VCF-style: chrX-77300999-C-T.
Other names: c.3922C>T, p.Pro1308Ser (NM_001282224.2); short protein forms P1386S, P1308S.
Identifiers: ClinVar variation 11795 (VCV000011795.15), dbSNP rs267606672, ClinGen allele CA256077.

ClinVar aggregate classification (germline): Pathogenic. Review status: criteria provided, single submitter (1 of 4 stars). 4 submissions from 4 submitters: Pathogenic (1). 3 of the submissions do not count toward it. Last evaluated 2024-04-16.

Conditions:
Charcot-Marie-Tooth disease. Also called: Charcot-Marie-Tooth Neuropathy; Charcot-Marie-Tooth Hereditary Neuropathy. Identifiers: Orphanet 166, MedGen C0007959, MONDO:0015626.
Menkes kinky-hair syndrome (MNK). Also called: Menkes Disease; Copper transport disease; Classic Menkes Disease. Identifiers: Orphanet 565, MedGen C0022716, MONDO:0010651, OMIM 309400.
X-linked distal spinal muscular atrophy type 3. Also called: NEURONOPATHY, DISTAL HEREDITARY MOTOR, X-LINKED; NEUROPATHY, DISTAL HEREDITARY MOTOR, X-LINKED; ATP7A-Related Distal Motor Neuropathy; SPINAL MUSCULAR ATROPHY, DISTAL, X-LINKED RECESSIVE. Identifiers: Orphanet 139557, MedGen C1845359, MONDO:0010338, OMIM 300489.
Cutis laxa, X-linked (OHS). Also called: EDS IX; Occipital horn syndrome. Identifiers: Orphanet 198, MedGen C0268353, MONDO:0010572, OMIM 304150.

Submissions (4):

Labcorp Genetics (formerly Invitae), Labcorp
Classification: Pathogenic for X-linked distal spinal muscular atrophy type 3; Cutis laxa, X-linked; Menkes kinky-hair syndrome. Last evaluated: 2024-04-16. Review status: criteria provided, single submitter. Criteria: Invitae Variant Classification Sherloc (09022015). Collection method: clinical testing. Allele origin: germline.
Comment: This sequence change replaces proline, which is neutral and non-polar, with serine, which is neutral and polar, at codon 1386 of the ATP7A protein (p.Pro1386Ser). This variant is not present in population databases (gnomAD no frequency). This missense change has been observed in individual(s) with distal motor neuropathy (PMID: 20170900). It has also been observed to segregate with disease in related individuals. ClinVar contains an entry for this variant (Variation ID: 11795). Advanced modeling of protein sequence and biophysical properties (such as structural, functional, and spatial information, amino acid conservation, physicochemical variation, residue mobility, and thermodynamic stability) performed at Invitae indicates that this missense variant is expected to disrupt ATP7A protein function with a positive predictive value of 95%. Experimental studies have shown that this missense change affects ATP7A function (PMID: 20170900, 22210628, 28119449). For these reasons, this variant has been classified as Pathogenic.

OMIM
Classification: Pathogenic for NEURONOPATHY, DISTAL HEREDITARY MOTOR, X-LINKED. Last evaluated: 2010-03-12. Review status: no assertion criteria provided. Collection method: literature only. Allele origin: germline. Not counted in ClinVar's aggregate classification.

GeneReviews
No classification provided. Condition: Menkes kinky-hair syndrome. Review status: no classification provided. Collection method: literature only. Allele origin: germline. Not counted in ClinVar's aggregate classification.

Inherited Neuropathy Consortium
Classification: Uncertain significance for Charcot-Marie-Tooth disease. Review status: no assertion criteria provided. Collection method: literature only. Allele origin: germline. Affected: yes. Not counted in ClinVar's aggregate classification.

Literature cited by the submitters: PubMed 20170900 (cited by 3 submitters); PubMed 22210628 (cited by Labcorp Genetics (formerly Invitae), Labcorp); PubMed 28119449 (cited by Labcorp Genetics (formerly Invitae), Labcorp); PubMed 19153371 (cited by OMIM); NCBI Bookshelf NBK1413 (cited by GeneReviews).